The following is an entry in ClinVar:

NM_001182.5(ALDH7A1):c.112C>T (p.Gln38Ter)

Gene: ALDH7A1 (aldehyde dehydrogenase 7 family member A1; minus strand). Cytogenetic location: 5q23.2.
Variant type: single nucleotide variant.
Coding change: c.112C>T on transcript NM_001182.5 (MANE Select); coding-DNA position 112, C replaced by T.
Protein change: p.Gln38Ter; replaces glutamine 38 with a stop codon.
Molecular consequence: nonsense.
Genome position (GRCh38, 1-based): chr5:126,595,087, G>A on the plus strand (C>T on the coding strand, the complement: ALDH7A1 is on the minus strand). VCF-style: chr5-126595087-G-A. GRCh37 (hg19) VCF-style: chr5-125930779-G-A.
Other names: c.28C>T, p.Gln10Ter (NM_001201377.2); c.112C>T, p.Gln38Ter (NM_001202404.2); short protein forms Q10*, Q38*.
Identifiers: ClinVar variation 2899486 (VCV002899486.3), dbSNP rs2480372740, ClinGen allele CA360733823.

ClinVar aggregate classification (germline): Pathogenic (1 of 4 stars; one submission).

Conditions:
Pyridoxine-dependent epilepsy (EPEO4). Also called: PYRIDOXINE DEPENDENCY WITH SEIZURES; Pyridoxine-Dependent Seizures; EPILEPSY, EARLY-ONSET, 4, VITAMIN B6-DEPENDENT; Pyridoxine-Dependent Epilepsy - ALDH7A1. Identifiers: Orphanet 3006, MedGen C1849508, MONDO:0009945, OMIM 266100. Disease mechanism: loss of function.

Submission:

Labcorp Genetics (formerly Invitae), Labcorp
Classification: Pathogenic for Pyridoxine-dependent epilepsy. Last evaluated: 2023-02-15. Review status: criteria provided, single submitter. Criteria: Invitae Variant Classification Sherloc (09022015). Collection method: clinical testing. Allele origin: germline.
Comment: For these reasons, this variant has been classified as Pathogenic. This variant has not been reported in the literature in individuals affected with ALDH7A1-related conditions. This variant is not present in population databases (gnomAD no frequency). This sequence change creates a premature translational stop signal (p.Gln38*) in the ALDH7A1 gene. It is expected to result in an absent or disrupted protein product. Loss-of-function variants in ALDH7A1 are known to be pathogenic (PMID: 16491085, 20554659).

Literature cited by the submitters: PubMed 16491085; PubMed 20554659.